The following is an entry in ClinVar:

ClinVar aggregate classification (germline): Uncertain significance (1 of 4 stars; one submission).

gnomAD v4.1: 1 of 1,549,462 alleles (0.000065%); highest among the groups gnomAD compares: South Asian, 0.0012%; no homozygotes.

Submission:

GeneDx
Classification: Uncertain significance. Last evaluated: 2023-04-10. Review status: criteria provided, single submitter. Criteria: GeneDx Variant Classification Process June 2021. Collection method: clinical testing. Allele origin: germline. Affected: yes.
Comment: Not observed at significant frequency in large population cohorts (gnomAD); In silico analysis supports that this missense variant has a deleterious effect on protein structure/function; Has not been previously published as pathogenic or benign to our knowledge

NM_001367479.1(DNAH14):c.5713C>A (p.Pro1905Thr)

Gene: DNAH14 (dynein axonemal heavy chain 14; plus strand). Cytogenetic location: 1q42.12.
Variant type: single nucleotide variant.
Coding change: c.5713C>A on transcript NM_001367479.1 (MANE Select); coding-DNA position 5713, C replaced by A.
Protein change: p.Pro1905Thr; replaces proline 1905 with threonine.
Molecular consequence: missense variant.
Genome position (GRCh38, 1-based): chr1:225,192,738, C>A. VCF-style: chr1-225192738-C-A. GRCh37 (hg19) VCF-style: chr1-225380440-C-A.
Other names: NM_001373.1:c.5647C>A; short protein forms P1905T.
Identifiers: ClinVar variation 3343084 (VCV003343084.1).